The following is an entry in ClinVar:

ClinVar aggregate classification (germline): Likely benign. Review status: criteria provided, multiple submitters, no conflicts (2 of 4 stars). 2 submissions from 2 submitters: Likely benign (2). Last evaluated 2018-06-19.

Allele frequency attached by ClinVar (database versions not stated): gnomAD 0.02251 and 0.02302; 1000 Genomes Project 0.02416; 1000 Genomes Project 30x 0.02436; TOPMed 0.02496; gnomAD exomes 0.02894.
gnomAD v4.1: 20,552 of 739,148 alleles (2.8%); highest among the groups gnomAD compares: Middle Eastern, 4.6%; 362 homozygotes.

Submissions (2):

GeneDx
Classification: Likely benign. Last evaluated: 2018-06-19. Review status: criteria provided, single submitter. Criteria: GeneDx Variant Classification (06012015). Collection method: clinical testing. Allele origin: germline. Affected: yes.
Comment: This variant is considered likely benign or benign based on one or more of the following criteria: it is a conservative change, it occurs at a poorly conserved position in the protein, it is predicted to be benign by multiple in silico algorithms, and/or has population frequency not consistent with disease.

Breakthrough Genomics
Classification: Likely benign. Review status: criteria provided, single submitter. Criteria: ACMG Guidelines, 2015. Collection method: not provided. Allele origin: germline. Inheritance: Autosomal recessive inheritance. Affected: yes.

NM_001849.4(COL6A2):c.1053+193G>A

Gene: COL6A2 (collagen type VI alpha 2 chain; plus strand). Cytogenetic location: 21q22.3.
Variant type: single nucleotide variant.
Coding change: c.1053+193G>A on transcript NM_001849.4 (MANE Select); 193 bases into the intron after coding-DNA position 1053, G replaced by A.
Molecular consequence: intron variant.
Genome position (GRCh38, 1-based): chr21:46,117,646, G>A. VCF-style: chr21-46117646-G-A. GRCh37 (hg19) VCF-style: chr21-47537560-G-A.
Other names: c.1053+193G>A (NM_058175.3, NM_058174.3).
Identifiers: ClinVar variation 681620 (VCV000681620.2), dbSNP rs141960812, ClinGen allele CA14875496.